The following is an entry in ClinVar:

NM_182931.3(KMT2E):c.3248A>T (p.Asn1083Ile)

Gene: KMT2E (lysine methyltransferase 2E (inactive); plus strand). Cytogenetic location: 7q22.3.
Variant type: single nucleotide variant.
Coding change: c.3248A>T on transcript NM_182931.3 (MANE Select); coding-DNA position 3248, A replaced by T.
Protein change: p.Asn1083Ile; replaces asparagine 1083 with isoleucine.
Molecular consequence: missense variant.
Genome position (GRCh38, 1-based): chr7:105,107,705, A>T. VCF-style: chr7-105107705-A-T. GRCh37 (hg19) VCF-style: chr7-104748152-A-T.
Other names: c.3248A>T (NM_182931.2); c.3248A>T, p.Asn1083Ile (NM_001410908.1, NM_018682.4); short protein forms N1083I.
Identifiers: ClinVar variation 3654070 (VCV003654070.3).
Genomic context (GRCh38, chr7:105,107,705, plus strand): 5'-TGTATTCTTCCTGGGTAAAGAGCCCTGACAGAACAGGAGTTAACTTCTCAGTGAACTCCA[A>T]CTTGAGGGACCTGACACCCTCGCATCAGTTGGAGGTTGGAGGAGGCTTCCGAATAAGTGA-3'
Protein context (NP_891847.1, residues 1073-1093): RTGVNFSVNS[Asn1083Ile]LRDLTPSHQL

ClinVar aggregate classification (germline): Uncertain significance. Review status: criteria provided, multiple submitters, no conflicts (2 of 4 stars). 2 submissions from 2 submitters: Uncertain significance (2). Last evaluated 2026-04-16.

Conditions:
KMT2E-related disorder. Also called: KMT2E-related condition.

Submissions (2):

PreventionGenetics, part of Exact Sciences
Classification: Uncertain significance for KMT2E-related condition. Last evaluated: 2026-04-16. Review status: criteria provided, single submitter. Criteria: ACMG Guidelines, 2015. Collection method: clinical testing. Allele origin: germline.
Comment: The KMT2E c.3248A>T variant is predicted to result in the amino acid substitution p.Asn1083Ile. To our knowledge, this variant has not been reported in the literature or in a large population database (gnomAD), indicating this variant is rare. At this time, the clinical significance of this variant is uncertain due to the absence of conclusive functional and genetic evidence.

Labcorp Genetics (formerly Invitae), Labcorp
Classification: Uncertain significance. Last evaluated: 2024-05-27. Review status: criteria provided, single submitter. Criteria: Invitae Variant Classification Sherloc (09022015). Collection method: clinical testing. Allele origin: germline.
Comment: This sequence change replaces asparagine, which is neutral and polar, with isoleucine, which is neutral and non-polar, at codon 1083 of the KMT2E protein (p.Asn1083Ile). This variant is not present in population databases (gnomAD no frequency). This variant has not been reported in the literature in individuals affected with KMT2E-related conditions. Advanced modeling of protein sequence and biophysical properties (such as structural, functional, and spatial information, amino acid conservation, physicochemical variation, residue mobility, and thermodynamic stability) performed at Invitae indicates that this missense variant is expected to disrupt KMT2E protein function with a positive predictive value of 80%. In summary, the available evidence is currently insufficient to determine the role of this variant in disease. Therefore, it has been classified as a Variant of Uncertain Significance.